The following is an entry in ClinVar:

ClinVar aggregate classification (germline): Uncertain significance (1 of 4 stars; one submission).

Conditions:
Combined immunodeficiency due to LRBA deficiency. Also called: Common variable immunodeficiency 8, with autoimmunity. Identifiers: Orphanet 445018, MedGen C3553512, MONDO:0013863, OMIM 614700.

Allele frequency attached by ClinVar (database versions not stated): TOPMed below 0.00001; ExAC 0.00001; gnomAD exomes 0.00001.
gnomAD v4.1: 3 of 1,614,044 alleles (0.00019%); highest among the groups gnomAD compares: Admixed American, 0.005%; no homozygotes.

Submission:

Labcorp Genetics (formerly Invitae), Labcorp
Classification: Uncertain significance for Combined immunodeficiency due to LRBA deficiency. Last evaluated: 2022-08-16. Review status: criteria provided, single submitter. Criteria: Invitae Variant Classification Sherloc (09022015). Collection method: clinical testing. Allele origin: germline.
Comment: This variant has not been reported in the literature in individuals affected with LRBA-related conditions. In summary, the available evidence is currently insufficient to determine the role of this variant in disease. Therefore, it has been classified as a Variant of Uncertain Significance. Algorithms developed to predict the effect of missense changes on protein structure and function (SIFT, PolyPhen-2, Align-GVGD) all suggest that this variant is likely to be tolerated. ClinVar contains an entry for this variant (Variation ID: 934761). This variant is present in population databases (rs753358028, gnomAD 0.006%). This sequence change replaces glutamine, which is neutral and polar, with lysine, which is basic and polar, at codon 973 of the LRBA protein (p.Gln973Lys).

NM_001364905.1(LRBA):c.2917C>A (p.Gln973Lys)

Gene: LRBA (LPS responsive beige-like anchor protein; minus strand). Cytogenetic location: 4q31.3.
Variant type: single nucleotide variant.
Coding change: c.2917C>A on transcript NM_001364905.1 (MANE Select); coding-DNA position 2917, C replaced by A.
Protein change: p.Gln973Lys; replaces glutamine 973 with lysine.
Molecular consequence: missense variant.
Genome position (GRCh38, 1-based): chr4:150,852,793, G>T on the plus strand (C>A on the coding strand, the complement: LRBA is on the minus strand). VCF-style: chr4-150852793-G-T. GRCh37 (hg19) VCF-style: chr4-151773945-G-T.
Other names: c.2917C>A, p.Gln973Lys (NM_001199282.3, NM_001367550.1, NM_006726.5); short protein forms Q973K.
Identifiers: ClinVar variation 934761 (VCV000934761.9), dbSNP rs753358028, ClinGen allele CA3103122.